The following is an entry in ClinVar:

ClinVar aggregate classification (germline): Conflicting classifications of pathogenicity. Review status: criteria provided, conflicting classifications (1 of 4 stars). 2 submissions from 2 submitters: Uncertain significance (1); Likely benign (1). Last evaluated 2025-03-23.

Allele frequency attached by ClinVar (database versions not stated): ExAC 0.00002; gnomAD exomes 0.00001; TOPMed 0.00001; ESP Exome Variant Server 0.00008.
gnomAD v4.1: 9 of 1,613,916 alleles (0.00056%); highest among the groups gnomAD compares: African/African-American, 0.0027%; no homozygotes.

Submissions (2):

Labcorp Genetics (formerly Invitae), Labcorp
Classification: Likely benign. Last evaluated: 2025-03-23. Review status: criteria provided, single submitter. Criteria: Invitae Variant Classification Sherloc (09022015). Collection method: clinical testing. Allele origin: germline.

Mayo Clinic Laboratories, Mayo Clinic
Classification: Uncertain significance. Last evaluated: 2024-05-01. Review status: criteria provided, single submitter. Criteria: ACMG Guidelines, 2015. Collection method: clinical testing. Allele origin: germline. Observed: 1 variant allele.
Comment: BP4_strong, PM2_moderate

NM_015559.3(SETBP1):c.4205G>A (p.Arg1402Gln)

Gene: SETBP1 (SET binding protein 1; plus strand). Cytogenetic location: 18q12.3.
Variant type: single nucleotide variant.
Coding change: c.4205G>A on transcript NM_015559.3 (MANE Select); coding-DNA position 4205, G replaced by A.
Protein change: p.Arg1402Gln; replaces arginine 1402 with glutamine.
Molecular consequence: missense variant.
Genome position (GRCh38, 1-based): chr18:45,063,112, G>A. VCF-style: chr18-45063112-G-A. GRCh37 (hg19) VCF-style: chr18-42643077-G-A.
Other names: p.Arg1402Gln; c.4205G>A, p.Arg1402Gln (NM_001379141.1, NM_001379142.1); short protein forms R1402Q.
Identifiers: ClinVar variation 1402605 (VCV001402605.9), dbSNP rs371946489, ClinGen allele CA8946120.